The following is an entry in ClinVar:

ClinVar aggregate classification (germline): Uncertain significance (1 of 4 stars; one submission).

gnomAD v4.1: 1 of 1,614,162 alleles (0.000062%); highest among the groups gnomAD compares: Admixed American, 0.0017%; no homozygotes.

Submission:

Labcorp Genetics (formerly Invitae), Labcorp
Classification: Uncertain significance. Last evaluated: 2024-04-09. Review status: criteria provided, single submitter. Criteria: Invitae Variant Classification Sherloc (09022015). Collection method: clinical testing. Allele origin: germline.
Comment: This sequence change replaces leucine, which is neutral and non-polar, with phenylalanine, which is neutral and non-polar, at codon 724 of the ITGB3 protein (p.Leu724Phe). This variant is present in population databases (rs762005536, gnomAD 0.003%). This variant has not been reported in the literature in individuals affected with ITGB3-related conditions. Advanced modeling of protein sequence and biophysical properties (such as structural, functional, and spatial information, amino acid conservation, physicochemical variation, residue mobility, and thermodynamic stability) has been performed at Invitae for this missense variant, however the output from this modeling did not meet the statistical confidence thresholds required to predict the impact of this variant on ITGB3 protein function. In summary, the available evidence is currently insufficient to determine the role of this variant in disease. Therefore, it has been classified as a Variant of Uncertain Significance.

NM_000212.3(ITGB3):c.2170C>T (p.Leu724Phe)

Genes: EFCAB13-DT (EFCAB13 divergent transcript; minus strand), ITGB3 (integrin subunit beta 3; plus strand). Cytogenetic location: 17q21.32.
Variant type: single nucleotide variant.
Coding change: c.2170C>T on transcript NM_000212.3 (MANE Select); coding-DNA position 2170, C replaced by T.
Protein change: p.Leu724Phe; replaces leucine 724 with phenylalanine.
Molecular consequence: missense variant.
Genome position (GRCh38, 1-based): chr17:47,307,506, C>T. VCF-style: chr17-47307506-C-T. GRCh37 (hg19) VCF-style: chr17-45384872-C-T.
Other names: short protein forms L724F.
Identifiers: ClinVar variation 3714254 (VCV003714254.2).